The following is an entry in ClinVar:

ClinVar aggregate classification (germline): Benign. Review status: criteria provided, multiple submitters, no conflicts (2 of 4 stars). 3 submissions from 3 submitters: Benign (3). Last evaluated 2026-01-01.

Conditions:
Quebec platelet disorder (QPD). Also called: FACTOR V QUEBEC; BLEEDING DISORDER, PLATELET-TYPE, 5. Identifiers: Orphanet 220436, MedGen C1866423, MONDO:0011136, OMIM 601709.

Allele frequency attached by ClinVar (database versions not stated): 1000 Genomes Project 30x 0.00219; 1000 Genomes Project 0.00220; gnomAD 0.00551; ExAC 0.00595; TOPMed 0.00677; ESP Exome Variant Server 0.00784.

Submissions (3):

CeGaT Center for Human Genetics Tuebingen
Classification: Benign. Last evaluated: 2026-01-01. Review status: criteria provided, single submitter. Criteria: CeGaT Center For Human Genetics Tuebingen Variant Classification Criteria Version 2. Collection method: clinical testing. Allele origin: germline. Affected: yes. Observed: 3 variant alleles.
Comment: PLAU: BS1, BS2

Illumina Laboratory Services, Illumina
Classification: Benign for Quebec platelet disorder. Last evaluated: 2018-01-12. Review status: criteria provided, single submitter. Criteria: ICSL Variant Classification Criteria 13 December 2019. Collection method: clinical testing. Allele origin: germline.
Comment: This variant was observed in the ICSL laboratory as part of a predisposition screen in an ostensibly healthy population. It had not been previously curated by ICSL or reported in the Human Gene Mutation Database (HGMD: prior to June 1st, 2018), and was therefore a candidate for classification through an automated scoring system. Utilizing variant allele frequency, disease prevalence and penetrance estimates, and inheritance mode, an automated score was calculated to assess if this variant is too frequent to cause the disease. Based on the score and internal cut-off values, a variant classified as benign is not then subjected to further curation. The score for this variant resulted in a classification of benign for this disease.

Breakthrough Genomics
Classification: Benign. Review status: criteria provided, single submitter. Criteria: ACMG Guidelines, 2015. Collection method: not provided. Allele origin: germline. Inheritance: Autosomal dominant inheritance. Affected: yes.

NM_002658.6(PLAU):c.-25C>T

Genes: C10orf55 (chromosome 10 putative open reading frame 55; minus strand), PLAU (plasminogen activator, urokinase; plus strand), LOC130004104 (ATAC-STARR-seq lymphoblastoid silent region 2495; plus strand). Cytogenetic location: 10q22.2.
Variant type: single nucleotide variant.
Coding change: c.-25C>T on transcript NM_002658.6 (MANE Select); 25 bases upstream of the start codon, C replaced by T.
Molecular consequence: 5 prime UTR variant. On other transcripts: non-coding transcript variant (2).
Genome position (GRCh38, 1-based): chr10:73,911,531, C>T. VCF-style: chr10-73911531-C-T. GRCh37 (hg19) VCF-style: chr10-75671289-C-T.
Other names: c.-361C>T (NM_001145031.3); c.-255C>T (NM_001319191.2).
Identifiers: ClinVar variation 300736 (VCV000300736.30), dbSNP rs2227579, ClinGen allele CA5562216.